The following is an entry in ClinVar:

ClinVar aggregate classification (germline): Likely benign (1 of 4 stars; one submission).

Allele frequency attached by ClinVar (database versions not stated): gnomAD 0.00286; TOPMed 0.00303; 1000 Genomes Project 30x 0.00375; 1000 Genomes Project 0.00399.

Submission:

CeGaT Center for Human Genetics Tuebingen
Classification: Likely benign. Last evaluated: 2023-04-01. Review status: criteria provided, single submitter. Criteria: CeGaT Center For Human Genetics Tuebingen Variant Classification Criteria Version 2. Collection method: clinical testing. Allele origin: germline. Affected: yes. Observed: 1 variant allele.
Comment: SUZ12: BS2

NC_000017.11:g.32006701G>A

Gene: SUZ12 (SUZ12 polycomb repressive complex 2 subunit; plus strand). Cytogenetic location: 17q11.2.
Variant type: single nucleotide variant.
Genome position: GRCh38 VCF-style: chr17-32006701-G-A. GRCh37 (hg19) VCF-style: chr17-30333720-G-A.
Identifiers: ClinVar variation 2647654 (VCV002647654.24), dbSNP rs113233182, ClinGen allele CA289432532.